The following is an entry in ClinVar:

NM_024101.7(MLPH):c.185C>T (p.Thr62Ile)

Gene: MLPH (melanophilin; plus strand). Cytogenetic location: 2q37.3.
Variant type: single nucleotide variant.
Coding change: c.185C>T on transcript NM_024101.7 (MANE Select); coding-DNA position 185, C replaced by T.
Protein change: p.Thr62Ile; replaces threonine 62 with isoleucine.
Molecular consequence: missense variant. On other transcripts: non-coding transcript variant (1).
Genome position (GRCh38, 1-based): chr2:237,510,648, C>T. VCF-style: chr2-237510648-C-T. GRCh37 (hg19) VCF-style: chr2-238419291-C-T.
Other names: c.185C>T, p.Thr62Ile (NM_001042467.3, NM_001281473.2, NM_001281474.2); short protein forms T62I.
Identifiers: ClinVar variation 4694646 (VCV004694646.1).

ClinVar aggregate classification (germline): Uncertain significance (1 of 4 stars; one submission).

gnomAD v4.1: 117 of 1,613,792 alleles (0.0073%); highest among the groups gnomAD compares: South Asian, 0.12%; 1 homozygote.

Submission:

Labcorp Genetics (formerly Invitae), Labcorp
Classification: Uncertain significance. Last evaluated: 2025-08-04. Review status: criteria provided, single submitter. Criteria: Invitae Variant Classification Sherloc (09022015). Collection method: clinical testing. Allele origin: germline.
Comment: This sequence change replaces threonine, which is neutral and polar, with isoleucine, which is neutral and non-polar, at codon 62 of the MLPH protein (p.Thr62Ile). This variant is present in population databases (rs552397362, gnomAD 0.2%). This variant has not been reported in the literature in individuals affected with MLPH-related conditions. Invitae Evidence Modeling of protein sequence and biophysical properties (such as structural, functional, and spatial information, amino acid conservation, physicochemical variation, residue mobility, and thermodynamic stability) indicates that this missense variant is expected to disrupt MLPH protein function with a positive predictive value of 80%. In summary, the available evidence is currently insufficient to determine the role of this variant in disease. Therefore, it has been classified as a Variant of Uncertain Significance.